The following is an entry in ClinVar:

NM_145239.3(PRRT2):c.787C>T (p.Gln263Ter)

Genes: MVP-DT (MVP divergent transcript; minus strand), PRRT2 (proline rich transmembrane protein 2; plus strand). Cytogenetic location: 16p11.2.
Variant type: single nucleotide variant.
Coding change: c.787C>T on transcript NM_145239.3 (MANE Select); coding-DNA position 787, C replaced by T.
Protein change: p.Gln263Ter; replaces glutamine 263 with a stop codon.
Molecular consequence: nonsense.
Genome position (GRCh38, 1-based): chr16:29,813,841, C>T. VCF-style: chr16-29813841-C-T. GRCh37 (hg19) VCF-style: chr16-29825162-C-T.
Other names: c.787C>T, p.Gln263Ter (NM_001256442.2, NM_001256443.2); short protein forms Q263*.
Identifiers: ClinVar variation 2137801 (VCV002137801.4), dbSNP rs2543336096, ClinGen allele CA395479743.

ClinVar aggregate classification (germline): Pathogenic (1 of 4 stars; one submission).

Conditions:
Episodic kinesigenic dyskinesia (EKD). Also called: Paroxysmal kinesigenic dyskinesia. Identifiers: Orphanet 98809, MedGen C1868682, MONDO:0044202.

Submission:

Labcorp Genetics (formerly Invitae), Labcorp
Classification: Pathogenic for Episodic kinesigenic dyskinesia. Last evaluated: 2022-03-25. Review status: criteria provided, single submitter. Criteria: Invitae Variant Classification Sherloc (09022015). Collection method: clinical testing. Allele origin: germline.
Comment: For these reasons, this variant has been classified as Pathogenic. This premature translational stop signal has been observed in individual(s) with paroxysmal kinesigenic dyskinesia (PMID: 26446061). This variant is not present in population databases (gnomAD no frequency). This sequence change creates a premature translational stop signal (p.Gln263*) in the PRRT2 gene. It is expected to result in an absent or disrupted protein product. Loss-of-function variants in PRRT2 are known to be pathogenic (PMID: 22623405, 22744660).

Literature cited by the submitters: PubMed 26446061; PubMed 22623405; PubMed 22744660.